The following is an entry in ClinVar:

ClinVar aggregate classification (germline): Uncertain significance (1 of 4 stars; one submission).

Submission:

Labcorp Genetics (formerly Invitae), Labcorp
Classification: Uncertain significance. Last evaluated: 2021-08-21. Review status: criteria provided, single submitter. Criteria: Invitae Variant Classification Sherloc (09022015). Collection method: clinical testing. Allele origin: germline.
Comment: Algorithms developed to predict the effect of missense changes on protein structure and function are either unavailable or do not agree on the potential impact of this missense change (SIFT: "Deleterious"; PolyPhen-2: "Possibly Damaging"; Align-GVGD: "Class C0"). In summary, the available evidence is currently insufficient to determine the role of this variant in disease. Therefore, it has been classified as a Variant of Uncertain Significance. This variant has not been reported in the literature in individuals with ELP1-related conditions. This variant is not present in population databases (ExAC no frequency). This sequence change replaces serine with arginine at codon 339 of the ELP1 protein (p.Ser339Arg). The serine residue is weakly conserved and there is a moderate physicochemical difference between serine and arginine.

NM_003640.5(ELP1):c.1015A>C (p.Ser339Arg)

Gene: ELP1 (elongator acetyltransferase complex subunit 1; minus strand). Cytogenetic location: 9q31.3.
Variant type: single nucleotide variant.
Coding change: c.1015A>C on transcript NM_003640.5 (MANE Select); coding-DNA position 1015, A replaced by C.
Protein change: p.Ser339Arg; replaces serine 339 with arginine.
Molecular consequence: missense variant. On other transcripts: 5 prime UTR variant (1).
Genome position (GRCh38, 1-based): chr9:108,912,438, T>G on the plus strand (A>C on the coding strand, the complement: ELP1 is on the minus strand). VCF-style: chr9-108912438-T-G. GRCh37 (hg19) VCF-style: chr9-111674718-T-G.
Other names: c.673A>C, p.Ser225Arg (NM_001318360.2); c.-33A>C (NM_001330749.2); short protein forms S339R, S225R.
Identifiers: ClinVar variation 1405778 (VCV001405778.8), dbSNP rs1350193684, ClinGen allele CA374429590.